The following is an entry in ClinVar:

ClinVar aggregate classification (germline): Likely pathogenic (1 of 4 stars; one submission).

Conditions:
Marfan syndrome (MFS). Also called: Marfan syndrome, classic; Marfan syndrome type 1; Marfan's syndrome; MARFAN SYNDROME, TYPE I; FBN1-Related Marfan Syndrome. Identifiers: Orphanet 284963, Orphanet 558, MedGen C0024796, MONDO:0007947, OMIM 154700.
Familial thoracic aortic aneurysm and aortic dissection (TAAD). Also called: Thoracic aortic aneurysms and dissections. Identifiers: Orphanet 91387, MedGen C4707243, MONDO:0019625.

Submission:

Labcorp Genetics (formerly Invitae), Labcorp
Classification: Likely pathogenic for Marfan syndrome; Familial thoracic aortic aneurysm and aortic dissection. Last evaluated: 2016-05-30. Review status: criteria provided, single submitter. Criteria: Invitae Variant Classification Sherloc (09022015). Collection method: clinical testing. Allele origin: germline.
Comment: This sequence change replaces cysteine with phenylalanine at codon 2070 of the FBN1 protein (p.Cys2070Phe). The cysteine residue is highly conserved and there is a large physicochemical difference between cysteine and phenylalanine. For these reasons, this variant has been classified as Likely Pathogenic. This variant affects a cysteine residue located within an epidermal-growth-factor (EGF)–like domain of the FBN1 protein. Cysteine residues in these domains have been shown to be involved in the formation of disulfide bridges, which are critical for FBN1 protein structure and stability (PMID: 3495735, 4750422, 16677079). In addition, missense substitutions within the FBN1 EGF-like domains affecting cysteine residues are significantly overrepresented among patients with Marfan syndrome (PMID: 16571647, 17701892). This variant is not present in population databases (ExAC no frequency) and has not been reported in the literature in individuals with a FBN1-related disease.

Literature cited by the submitters: PubMed 3495735; PubMed 4750422; PubMed 16677079; PubMed 16571647; PubMed 17701892.

NM_000138.5(FBN1):c.6209G>T (p.Cys2070Phe)

Gene: FBN1 (fibrillin 1; minus strand). Cytogenetic location: 15q21.1.
Variant type: single nucleotide variant.
Coding change: c.6209G>T on transcript NM_000138.5 (MANE Select); coding-DNA position 6209, G replaced by T.
Protein change: p.Cys2070Phe; replaces cysteine 2070 with phenylalanine.
Molecular consequence: missense variant.
Genome position (GRCh38, 1-based): chr15:48,437,872, C>A on the plus strand (G>T on the coding strand, the complement: FBN1 is on the minus strand). VCF-style: chr15-48437872-C-A. GRCh37 (hg19) VCF-style: chr15-48730069-C-A.
Other names: short protein forms C2070F.
Identifiers: ClinVar variation 406303 (VCV000406303.9), dbSNP rs1060501044, ClinGen allele CA16614630.